The following is an entry in ClinVar:

NM_002578.5(PAK3):c.277-1212A>T

Gene: PAK3 (p21 (RAC1) activated kinase 3; plus strand). Cytogenetic location: Xq23.
Variant type: single nucleotide variant.
Coding change: c.277-1212A>T on transcript NM_002578.5 (MANE Select); 1212 bases into the intron before coding-DNA position 277, A replaced by T.
Molecular consequence: intron variant. On other transcripts: missense variant (6).
Genome position (GRCh38, 1-based): chrX:111,146,525, A>T. VCF-style: chrX-111146525-A-T. GRCh37 (hg19) VCF-style: chrX-110389753-A-T.
Other names: c.344A>T, p.Asp115Val (NM_001128168.3); c.281A>T, p.Asp94Val (NM_001128173.3, NM_001324327.2, NM_001324328.2 and 2 more transcripts); c.277-1212A>T (NM_001128166.3, NM_001324325.2, NM_001324330.2 and 5 more transcripts); c.340-1212A>T (NM_001128172.2); short protein forms D115V, D94V.
Identifiers: ClinVar variation 1313528 (VCV001313528.3), dbSNP rs2149109239, ClinGen allele CA414244030.
Genomic context (GRCh38, chrX:111,146,525, plus strand): 5'-GTTGTCCCACATTCTGTTTTAACTTTCTTTTCTTTCTTTATTTACGTCCATTACAGCCAG[A>T]TCTCTATGGCTCACAGATGTGCCCAGGGAAGCTCCCAGAGGTGCGTCACAGGCCCAAAAG-3'

ClinVar aggregate classification (germline): Uncertain significance (1 of 4 stars; one submission).

Submission:

GeneDx
Classification: Uncertain significance. Last evaluated: 2024-02-28. Review status: criteria provided, single submitter. Criteria: GeneDx Variant Classification Process June 2021. Collection method: clinical testing. Allele origin: germline. Affected: yes.
Comment: Not observed at significant frequency in large population cohorts (gnomAD); In silico analysis supports that this variant does not alter splicing; Has not been previously published as pathogenic or benign to our knowledge; Reported using an alternate transcript of the gene